The following is an entry in ClinVar:

NM_001382430.1(AKT1):c.635C>G (p.Ala212Gly)

Gene: AKT1 (AKT serine/threonine kinase 1; minus strand). Cytogenetic location: 14q32.33.
Variant type: single nucleotide variant.
Coding change: c.635C>G on transcript NM_001382430.1 (MANE Select); coding-DNA position 635, C replaced by G.
Protein change: p.Ala212Gly; replaces alanine 212 with glycine.
Molecular consequence: missense variant.
Genome position (GRCh38, 1-based): chr14:104,773,979, G>C on the plus strand (C>G on the coding strand, the complement: AKT1 is on the minus strand). VCF-style: chr14-104773979-G-C. GRCh37 (hg19) VCF-style: chr14-105240316-G-C.
Other names: c.635C>G, p.Ala212Gly (NM_001014431.2, NM_001014432.2, NM_001382431.1 and 3 more transcripts); short protein forms A212G.
Identifiers: ClinVar variation 943327 (VCV000943327.10), dbSNP rs1163499100, ClinGen allele CA391218974.

ClinVar aggregate classification (germline): Uncertain significance. Review status: criteria provided, multiple submitters, no conflicts (2 of 4 stars). 2 submissions from 2 submitters: Uncertain significance (2). Last evaluated 2024-08-09.

Conditions:
Cowden syndrome 6 (CWS6). Identifiers: Orphanet 201, MedGen C3554519, MONDO:0014048, OMIM 615109.
Inborn genetic diseases. Identifiers: MedGen C0950123, MeSH D030342.

gnomAD v4.1: 4 of 1,612,200 alleles (0.00025%); highest among the groups gnomAD compares: South Asian, 0.0033%; no homozygotes.

Submissions (2):

Ambry Genetics
Classification: Uncertain significance for Inborn genetic diseases. Last evaluated: 2024-08-09. Review status: criteria provided, single submitter. Criteria: Ambry Variant Classification Scheme 2023. Collection method: clinical testing. Allele origin: germline.
Comment: The p.A212G variant (also known as c.635C>G), located in coding exon 7 of the AKT1 gene, results from a C to G substitution at nucleotide position 635. The alanine at codon 212 is replaced by glycine, an amino acid with similar properties. This amino acid position is conserved. In addition, this alteration is predicted to be tolerated by in silico analysis. Based on the available evidence, the clinical significance of this variant remains unclear.

Labcorp Genetics (formerly Invitae), Labcorp
Classification: Uncertain significance for Cowden syndrome 6. Last evaluated: 2019-09-13. Review status: criteria provided, single submitter. Criteria: Invitae Variant Classification Sherloc (09022015). Collection method: clinical testing. Allele origin: germline.
Comment: Algorithms developed to predict the effect of missense changes on protein structure and function (SIFT, PolyPhen-2, Align-GVGD) all suggest that this variant is likely to be tolerated, but these predictions have not been confirmed by published functional studies and their clinical significance is uncertain. This sequence change replaces alanine with glycine at codon 212 of the AKT1 protein (p.Ala212Gly). The alanine residue is moderately conserved and there is a small physicochemical difference between alanine and glycine. This variant is not present in population databases (ExAC no frequency). This variant has not been reported in the literature in individuals with AKT1-related conditions. In summary, the available evidence is currently insufficient to determine the role of this variant in disease. Therefore, it has been classified as a Variant of Uncertain Significance.